The following is an entry in ClinVar:

ClinVar aggregate classification (germline): Uncertain significance (1 of 4 stars; one submission).

Submission:

Labcorp Genetics (formerly Invitae), Labcorp
Classification: Uncertain significance. Last evaluated: 2022-08-10. Review status: criteria provided, single submitter. Criteria: Invitae Variant Classification Sherloc (09022015). Collection method: clinical testing. Allele origin: germline.
Comment: ClinVar contains an entry for this variant (Variation ID: 1374539). This variant has not been reported in the literature in individuals affected with SARS2-related conditions. This variant is not present in population databases (gnomAD no frequency). This sequence change falls in intron 15 of the SARS2 gene. It does not directly change the encoded amino acid sequence of the SARS2 protein. It affects a nucleotide within the consensus splice site. Variants that disrupt the consensus splice site are a relatively common cause of aberrant splicing (PMID: 17576681, 9536098). Algorithms developed to predict the effect of sequence changes on RNA splicing suggest that this variant is not likely to affect RNA splicing. In summary, the available evidence is currently insufficient to determine the role of this variant in disease. Therefore, it has been classified as a Variant of Uncertain Significance.

Literature cited by the submitters: PubMed 17576681; PubMed 9536098.

NM_017827.4(SARS2):c.1413+4_1413+6del

Gene: SARS2 (seryl-tRNA synthetase 2, mitochondrial; minus strand). Cytogenetic location: 19q13.2.
Variant type: Deletion.
Coding change: c.1413+4_1413+6del on transcript NM_017827.4 (MANE Select); bases 4 to 6 of the intron after coding-DNA position 1413, 3 bases deleted (AGG; older notation c.1413+4_1413+6delAGG).
Molecular consequence: intron variant.
Genome position (GRCh38, 1-based): chr19:38,915,835-38,915,837, CCT deleted on the plus strand (AGG on the coding strand, the reverse complement: SARS2 is on the minus strand); deleting any 3 consecutive bases within chr19:38,915,835-38,915,838 gives the same sequence; the c. name uses the placement nearest the transcript's 3' end. VCF-style (leftmost placement, unchanged base first): chr19-38915834-CCCT-C. GRCh37 (hg19) VCF-style: chr19-39406474-CCCT-C.
Other names: c.1419+4_1419+6del (NM_001145901.2).
Identifiers: ClinVar variation 1374539 (VCV001374539.6), dbSNP rs1444167639, ClinGen allele CA882088863.
Genomic context (GRCh38, chr19:38,915,834, plus strand): 5'-CACTGCAGATGCCCCAGCCCTCCCCGGCGCTGAGCTGCCTCTCTGGGTGGGCCCCTCAGC[CCCT>C]CACCTTCTGCTGGTTACTCTCCAGGAGCGCGATGAGAAGGCGGGGGACAGCACAGGCGGT-3'